The following is an entry in ClinVar:

NM_001048174.2(MUTYH):c.586G>T (p.Ala196Ser)

Gene: MUTYH (mutY DNA glycosylase; minus strand). Cytogenetic location: 1p34.1.
Variant type: single nucleotide variant.
Coding change: c.586G>T on transcript NM_001048174.2 (MANE Select); coding-DNA position 586, G replaced by T.
Protein change: p.Ala196Ser; replaces alanine 196 with serine.
Molecular consequence: missense variant. On other transcripts: non-coding transcript variant (2).
Genome position (GRCh38, 1-based): chr1:45,332,594, C>A on the plus strand (G>T on the coding strand, the complement: MUTYH is on the minus strand). VCF-style: chr1-45332594-C-A. GRCh37 (hg19) VCF-style: chr1-45798266-C-A.
Other names: c.631G>T, p.Ala211Ser (NM_001293190.2); c.619G>T, p.Ala207Ser (NM_001293191.2); c.310G>T, p.Ala104Ser (NM_001293192.2, NM_001293196.2); c.586G>T, p.Ala196Ser (NM_001293195.2, NM_001048171.2, NM_001048173.2); c.241G>T, p.Ala81Ser (NM_001350650.2, NM_001350651.2); c.661G>T, p.Ala221Ser (NM_012222.3); c.589G>T, p.Ala197Ser (NM_001048172.2); c.670G>T, p.Ala224Ser (NM_001128425.2); short protein forms A224S, A196S, A211S, A81S, A104S, A197S, A207S, A221S.
Identifiers: ClinVar variation 570150 (VCV000570150.8), dbSNP rs878854192, ClinGen allele CA340135294.

ClinVar aggregate classification (germline): Uncertain significance (1 of 4 stars; one submission).

Conditions:
Familial adenomatous polyposis 2. Also called: MYH-associated polyposis; FAP type 2; COLORECTAL ADENOMATOUS POLYPOSIS, AUTOSOMAL RECESSIVE; ADENOMAS, MULTIPLE COLORECTAL, AUTOSOMAL RECESSIVE; MUTYH-related attenuated familial adenomatous polyposis; MUTYH Polyposis. Identifiers: Orphanet 220460, Orphanet 247798, MedGen C3272841, MONDO:0012041, OMIM 608456.

Submission:

Labcorp Genetics (formerly Invitae), Labcorp
Classification: Uncertain significance for Familial adenomatous polyposis 2. Last evaluated: 2018-02-28. Review status: criteria provided, single submitter. Criteria: Invitae Variant Classification Sherloc (09022015). Collection method: clinical testing. Allele origin: germline.
Comment: This variant has not been reported in the literature in individuals with MUTYH-related disease. This variant is not present in population databases (ExAC no frequency). This sequence change replaces alanine with serine at codon 224 of the MUTYH protein (p.Ala224Ser). The alanine residue is highly conserved and there is a moderate physicochemical difference between alanine and serine. Algorithms developed to predict the effect of missense changes on protein structure and function do not agree on the potential impact of this missense change (SIFT: "Tolerated"; PolyPhen-2: "Probably Damaging"; Align-GVGD: "Class C0"). In summary, the available evidence is currently insufficient to determine the role of this variant in disease. Therefore, it has been classified as a Variant of Uncertain Significance.